The following is an entry in ClinVar:

NM_000064.4(C3):c.1098A>G (p.Pro366=)

Gene: C3 (complement C3; minus strand). Cytogenetic location: 19p13.3.
Variant type: single nucleotide variant.
Coding change: c.1098A>G on transcript NM_000064.4 (MANE Select); coding-DNA position 1098, A replaced by G.
Protein change: p.Pro366=; no amino-acid change (proline 366 retained).
Molecular consequence: synonymous variant.
Genome position (GRCh38, 1-based): chr19:6,712,529, T>C on the plus strand (A>G on the coding strand, the complement: C3 is on the minus strand). VCF-style: chr19-6712529-T-C. GRCh37 (hg19) VCF-style: chr19-6712540-T-C.
Identifiers: ClinVar variation 894380 (VCV000894380.11), dbSNP rs757883156, ClinGen allele CA9129564.
Genomic context (GRCh38, chr19:6,712,529, plus strand): 5'-GAAGGGAGGAGTGGGACCCCTTCCCGCCCCGGGTCTCACCATGAGGTCAAAGGGCATTCC[T>C]GGTTTGAAGTACTTGGGTGTCTTGGTGAAGTGGATCTGGTAGGGAGAGGTCACGATGGGG-3'
Protein context (NP_000055.2, residues 356-376): HFTKTPKYFK[Pro366=]GMPFDLMVFV

ClinVar aggregate classification (germline): Conflicting classifications of pathogenicity. Review status: criteria provided, conflicting classifications (1 of 4 stars). 4 submissions from 2 submitters: Uncertain significance (2); Likely benign (2). Last evaluated 2025-04-19.

Conditions:
Complement component 3 deficiency. Identifiers: Orphanet 280133, MedGen C3151071, MONDO:0013417, OMIM 613779.
Age related macular degeneration 9. Identifiers: MedGen C1969651, MONDO:0012659, OMIM 611378.
Atypical hemolytic-uremic syndrome with C3 anomaly. Also called: AHUS, SUSCEPTIBILITY TO, 5. Identifiers: Orphanet 2134, MedGen C2752037, MONDO:0013043, OMIM 612925.

Allele frequency attached by ClinVar (database versions not stated): gnomAD exomes 0.00004; ExAC 0.00006; gnomAD 0.00006; TOPMed 0.00007.

Submissions (4):

Labcorp Genetics (formerly Invitae), Labcorp
Classification: Likely benign. Last evaluated: 2025-04-19. Review status: criteria provided, single submitter. Criteria: Invitae Variant Classification Sherloc (09022015). Collection method: clinical testing. Allele origin: germline.

Illumina Laboratory Services, Illumina
Classification: Uncertain significance for Age related macular degeneration 9. Last evaluated: 2018-01-13. Review status: criteria provided, single submitter. Criteria: ICSL Variant Classification Criteria 13 December 2019. Collection method: clinical testing. Allele origin: germline.

Illumina Laboratory Services, Illumina
Classification: Uncertain significance for Complement component 3 deficiency. Last evaluated: 2018-01-13. Review status: criteria provided, single submitter. Criteria: ICSL Variant Classification Criteria 13 December 2019. Collection method: clinical testing. Allele origin: germline.

Illumina Laboratory Services, Illumina
Classification: Likely benign for Atypical hemolytic-uremic syndrome with C3 anomaly. Last evaluated: 2018-01-13. Review status: criteria provided, single submitter. Criteria: ICSL Variant Classification Criteria 13 December 2019. Collection method: clinical testing. Allele origin: germline.
Comment: This variant was observed in the ICSL laboratory as part of a predisposition screen in an ostensibly healthy population. It had not been previously curated by ICSL or reported in the Human Gene Mutation Database (HGMD: prior to June 1st, 2018), and was therefore a candidate for classification through an automated scoring system. Utilizing variant allele frequency, disease prevalence and penetrance estimates, and inheritance mode, an automated score was calculated to assess if this variant is too frequent to cause the disease. Based on the score and internal cut-off values, a variant classified as likely benign is not then subjected to further curation. The score for this variant resulted in a classification of likely benign for this disease.